The following is an entry in ClinVar:

ClinVar aggregate classification (germline): Uncertain significance (1 of 4 stars; one submission).

Submission:

Ambry Genetics
Classification: Uncertain significance. Last evaluated: 2025-05-24. Review status: criteria provided, single submitter. Criteria: Ambry Variant Classification Scheme 2023. Collection method: clinical testing. Allele origin: germline.
Comment: The p.C80S variant (also known as c.238T>A), located in coding exon 2 of the GFI1 gene, results from a T to A substitution at nucleotide position 238. The cysteine at codon 80 is replaced by serine, an amino acid with dissimilar properties. This amino acid position is conserved. In addition, the in silico prediction for this alteration is inconclusive. Based on the available evidence, the clinical significance of this variant remains unclear.

NM_005263.5(GFI1):c.238T>A (p.Cys80Ser)

Gene: GFI1 (growth factor independent 1 transcriptional repressor; minus strand). Cytogenetic location: 1p22.1.
Variant type: single nucleotide variant.
Coding change: c.238T>A on transcript NM_005263.5 (MANE Select); coding-DNA position 238, T replaced by A.
Protein change: p.Cys80Ser; replaces cysteine 80 with serine.
Molecular consequence: missense variant.
Genome position (GRCh38, 1-based): chr1:92,482,924, A>T on the plus strand (T>A on the coding strand, the complement: GFI1 is on the minus strand). VCF-style: chr1-92482924-A-T. GRCh37 (hg19) VCF-style: chr1-92948481-A-T.
Other names: c.238T>A, p.Cys80Ser (NM_001127215.3, NM_001127216.3); short protein forms C80S.
Identifiers: ClinVar variation 4029432 (VCV004029432.1).
Genomic context (GRCh38, chr1:92,482,924, plus strand): 5'-CTGGAGACGCGGAGGGTGACGGGGGCCTCCAGAAGTCCTCAAACTCCGAGCTCCGTTCGC[A>T]GACGCTGCCTTCGCAGCTGTCTGGGGATGCGGAGGCTCTGTCTGGGGCTTCGGTCAGCTG-3'
Protein context (NP_005254.2, residues 70-90): ASPDSCEGSV[Cys80Ser]ERSSEFEDFW